The following is an entry in ClinVar:

ClinVar aggregate classification (germline): Benign/Likely benign. Review status: criteria provided, multiple submitters, no conflicts (2 of 4 stars). 3 submissions from 3 submitters: Benign (1); Likely benign (2). Last evaluated 2026-01-01.

Allele frequency attached by ClinVar (database versions not stated): gnomAD 0.00009 and 0.00017; gnomAD exomes 0.00017 and 0.00028; TOPMed 0.00024; ExAC 0.00035; 1000 Genomes Project 30x 0.00094; 1000 Genomes Project 0.00120.
gnomAD v4.1: 275 of 1,612,234 alleles (0.017%); highest among the groups gnomAD compares: East Asian, 0.44%; 1 homozygote.

Submissions (3):

CeGaT Center for Human Genetics Tuebingen
Classification: Likely benign. Last evaluated: 2026-01-01. Review status: criteria provided, single submitter. Criteria: CeGaT Center For Human Genetics Tuebingen Variant Classification Criteria Version 2. Collection method: clinical testing. Allele origin: germline. Affected: yes. Observed: 3 variant alleles.
Comment: INTS1: BP4, BP7

Blueprint Genetics
Classification: Likely benign. Last evaluated: 2024-08-19. Review status: criteria provided, single submitter. Criteria: ACMG Guidelines, 2015. Collection method: clinical testing. Allele origin: germline.

Labcorp Genetics (formerly Invitae), Labcorp
Classification: Benign. Last evaluated: 2019-12-31. Review status: criteria provided, single submitter. Criteria: Invitae Variant Classification Sherloc (09022015). Collection method: clinical testing. Allele origin: germline.

NM_001080453.3(INTS1):c.2985G>A (p.Ser995=)

Gene: INTS1 (integrator complex subunit 1; minus strand). Cytogenetic location: 7p22.3.
Variant type: single nucleotide variant.
Coding change: c.2985G>A on transcript NM_001080453.3 (MANE Select); coding-DNA position 2985, G replaced by A.
Protein change: p.Ser995=; no amino-acid change (serine 995 retained).
Molecular consequence: synonymous variant.
Genome position (GRCh38, 1-based): chr7:1,485,461, C>T on the plus strand (G>A on the coding strand, the complement: INTS1 is on the minus strand). VCF-style: chr7-1485461-C-T. GRCh37 (hg19) VCF-style: chr7-1525097-C-T.
Identifiers: ClinVar variation 732041 (VCV000732041.29), dbSNP rs190236314, ClinGen allele CA4119514.
Genomic context (GRCh38, chr7:1,485,461, plus strand): 5'-CTCCTCCATGGGGGGCTCCTTCTCCTCCCCGTCCCGCAGGCTGCCCTCCGAAAGCACCAG[C>T]GACAAACCCTGTGGCAGACACTCATGAGCTGGGCCGGCTTTCGGCAGTGCAGGCAGGGTC-3'
Protein context (NP_001073922.2, residues 985-1005): ASRVLAMKGL[Ser995=]LVLSEGSLRD